The following is an entry in ClinVar:

NM_004656.4(BAP1):c.2183G>C (p.Arg728Pro)

Gene: BAP1 (BRCA1 associated deubiquitinase 1; minus strand). Cytogenetic location: 3p21.1.
Variant type: single nucleotide variant.
Coding change: c.2183G>C on transcript NM_004656.4 (MANE Select); coding-DNA position 2183, G replaced by C.
Protein change: p.Arg728Pro; replaces arginine 728 with proline.
Molecular consequence: missense variant.
Genome position (GRCh38, 1-based): chr3:52,402,295, C>G on the plus strand (G>C on the coding strand, the complement: BAP1 is on the minus strand). VCF-style: chr3-52402295-C-G. GRCh37 (hg19) VCF-style: chr3-52436311-C-G.
Other names: c.2183G>C (NM_004656.2); short protein forms R728P.
Identifiers: ClinVar variation 629894 (VCV000629894.13), dbSNP rs773230722, ClinGen allele CA2436579.

ClinVar aggregate classification (germline): Uncertain significance. Review status: criteria provided, multiple submitters, no conflicts (2 of 4 stars). 4 submissions from 4 submitters: Uncertain significance (4). Last evaluated 2024-09-01.

Conditions:
BAP1-related tumor predisposition syndrome (TPDS1). Also called: Tumor susceptibility linked to germline BAP1 mutations; BAP1 tumor predisposition syndrome; TUMOR PREDISPOSITION SYNDROME 1; COMMON Syndrome. Identifiers: Orphanet 289539, MedGen C3280492, MONDO:0013692, OMIM 614327.
Hereditary cancer-predisposing syndrome. Also called: Neoplastic Syndromes, Hereditary; Tumor predisposition; Hereditary neoplastic syndrome; Hereditary Cancer Syndrome. Identifiers: Orphanet 140162, MedGen C0027672, MeSH D009386, MONDO:0015356.

Allele frequency attached by ClinVar (database versions not stated): ExAC 0.00002.
gnomAD v4.1: 2 of 1,600,636 alleles (0.00012%); highest among the groups gnomAD compares: East Asian, 0.0045%; no homozygotes.

Submissions (4):

Ambry Genetics
Classification: Uncertain significance for Hereditary cancer-predisposing syndrome. Last evaluated: 2024-09-01. Review status: criteria provided, single submitter. Criteria: Ambry Variant Classification Scheme 2023. Collection method: clinical testing. Allele origin: germline.
Comment: The p.R728P variant (also known as c.2183G>C), located in coding exon 17 of the BAP1 gene, results from a G to C substitution at nucleotide position 2183. The arginine at codon 728 is replaced by proline, an amino acid with dissimilar properties. This amino acid position is conserved. In addition, this alteration is predicted to be deleterious by in silico analysis. Based on the available evidence, the clinical significance of this variant remains unclear.

Labcorp Genetics (formerly Invitae), Labcorp
Classification: Uncertain significance for BAP1-related tumor predisposition syndrome. Last evaluated: 2021-07-19. Review status: criteria provided, single submitter. Criteria: Invitae Variant Classification Sherloc (09022015). Collection method: clinical testing. Allele origin: germline.
Comment: In summary, the available evidence is currently insufficient to determine the role of this variant in disease. Therefore, it has been classified as a Variant of Uncertain Significance. Algorithms developed to predict the effect of missense changes on protein structure and function (SIFT, PolyPhen-2, Align-GVGD) all suggest that this variant is likely to be disruptive, but these predictions have not been confirmed by published functional studies and their clinical significance is uncertain. This variant has not been reported in the literature in individuals with BAP1-related conditions. ClinVar contains an entry for this variant (Variation ID: 629894). This variant is present in population databases (rs773230722, ExAC 0.02%). This sequence change replaces arginine with proline at codon 728 of the BAP1 protein (p.Arg728Pro). The arginine residue is highly conserved and there is a moderate physicochemical difference between arginine and proline.

Color Diagnostics, LLC DBA Color Health
Classification: Uncertain significance for Hereditary cancer-predisposing syndrome. Last evaluated: 2019-06-26. Review status: criteria provided, single submitter. Criteria: ACMG Guidelines, 2015. Collection method: clinical testing. Allele origin: germline.

Illumina Laboratory Services, Illumina
Classification: Uncertain significance for BAP1-related tumor predisposition syndrome. Last evaluated: 2018-01-13. Review status: criteria provided, single submitter. Criteria: ICSL Variant Classification Criteria 13 December 2019. Collection method: clinical testing. Allele origin: germline.